The following is an entry in ClinVar:

ClinVar aggregate classification (germline): Uncertain significance (1 of 4 stars; one submission).

Submission:

Labcorp Genetics (formerly Invitae), Labcorp
Classification: Uncertain significance. Last evaluated: 2021-10-12. Review status: criteria provided, single submitter. Criteria: Invitae Variant Classification Sherloc (09022015). Collection method: clinical testing. Allele origin: germline.
Comment: In summary, the available evidence is currently insufficient to determine the role of this variant in disease. Therefore, it has been classified as a Variant of Uncertain Significance. Advanced modeling of protein sequence and biophysical properties (such as structural, functional, and spatial information, amino acid conservation, physicochemical variation, residue mobility, and thermodynamic stability) performed at Invitae indicates that this missense variant is not expected to disrupt ABCA1 protein function. This variant has not been reported in the literature in individuals affected with ABCA1-related conditions. This variant is not present in population databases (ExAC no frequency). This sequence change replaces threonine with asparagine at codon 1963 of the ABCA1 protein (p.Thr1963Asn). The threonine residue is highly conserved and there is a small physicochemical difference between threonine and asparagine.

NM_005502.4(ABCA1):c.5888C>A (p.Thr1963Asn)

Gene: ABCA1 (ATP binding cassette subfamily A member 1; minus strand). Cytogenetic location: 9q31.1.
Variant type: single nucleotide variant.
Coding change: c.5888C>A on transcript NM_005502.4 (MANE Select); coding-DNA position 5888, C replaced by A.
Protein change: p.Thr1963Asn; replaces threonine 1963 with asparagine.
Molecular consequence: missense variant.
Genome position (GRCh38, 1-based): chr9:104,790,961, G>T on the plus strand (C>A on the coding strand, the complement: ABCA1 is on the minus strand). VCF-style: chr9-104790961-G-T. GRCh37 (hg19) VCF-style: chr9-107553242-G-T.
Other names: short protein forms T1963N.
Identifiers: ClinVar variation 1386312 (VCV001386312.6), dbSNP rs2118855231, ClinGen allele CA374309832.
Genomic context (GRCh38, chr9:104,790,961, plus strand): 5'-ACAAGCCACTTCTTTTCTCACCTATTTTTGTTAAGGAAAGCATCTCCTCTGGTAACAGTG[G>T]TATCTCCTGTTAACATCTTGAAAGTTGATGATTTTCCAGCCCCATTAACTCCCAGGAGCC-3'
Protein context (NP_005493.2, residues 1953-1973): SSTFKMLTGD[Thr1963Asn]TVTRGDAFLN